The following is an entry in ClinVar:

NM_000051.4(ATM):c.8878_8879delinsCT (p.Trp2960Leu)

Genes: ATM (ATM serine/threonine kinase; plus strand), C11orf65 (chromosome 11 open reading frame 65; minus strand). Cytogenetic location: 11q22.3.
Variant type: Indel.
Coding change: c.8878_8879delinsCT on transcript NM_000051.4 (MANE Select); coding-DNA positions 8878 to 8879, TG replaced by CT.
Protein change: p.Trp2960Leu; replaces tryptophan 2960 with leucine.
Molecular consequence: missense variant. On other transcripts: intron variant (2).
Genome position (GRCh38, 1-based): chr11:108,365,109-108,365,110, TG replaced by CT. VCF-style: chr11-108365109-TG-CT. GRCh37 (hg19) VCF-style: chr11-108235836-TG-CT.
Other names: c.8878_8879delinsCT, p.Trp2960Leu (NM_001351834.2); c.640+20810_640+20811delinsAG (NM_001330368.2); c.694+20810_694+20811delinsAG (NM_001351110.2); short protein forms W2960L.
Identifiers: ClinVar variation 2806020 (VCV002806020.3), dbSNP rs2547674752, ClinGen allele CA2739265986.
Genomic context (GRCh38, chr11:108,365,109, plus strand): 5'-TGTTCTTTTAATACATATGTTCTCTCTGTTTAGGTCCTTCTATATGATCCACTCTTTGAC[TG>CT]GACCATGAATCCTTTGAAAGCTTTGTATTTACAGCAGAGGCCGGAAGATGAAACTGAGCT-3'
Protein context (NP_000042.3, residues 2950-2970): EVLLYDPLFD[Trp2960Leu]TMNPLKALYL

ClinVar aggregate classification (germline): Uncertain significance (1 of 4 stars; one submission).

Conditions:
Ataxia-telangiectasia syndrome (AT). Also called: LOUIS-BAR SYNDROME; Cerebello-oculocutaneous telangiectasia; Immunodeficiency with ataxia telangiectasia; Ataxia telangiectasia (A-T); Ataxia-telangiectasia, complementation group D; AT, COMPLEMENTATION GROUP C. Identifiers: Orphanet 100, MedGen C0004135, MONDO:0008840, OMIM 208900.

Submission:

Labcorp Genetics (formerly Invitae), Labcorp
Classification: Uncertain significance for Ataxia-telangiectasia syndrome. Last evaluated: 2022-10-24. Review status: criteria provided, single submitter. Criteria: Invitae Variant Classification Sherloc (09022015). Collection method: clinical testing. Allele origin: germline.
Comment: In summary, the available evidence is currently insufficient to determine the role of this variant in disease. Therefore, it has been classified as a Variant of Uncertain Significance. Algorithms developed to predict the effect of missense changes on protein structure and function are either unavailable or do not agree on the potential impact of this missense change (SIFT: "Not Available"; PolyPhen-2: "Probably Damaging"; Align-GVGD: "Not Available"). This variant has not been reported in the literature in individuals affected with ATM-related conditions. Information on the frequency of this variant in the gnomAD database is not available, as this variant may be reported differently in the database. This sequence change replaces tryptophan, which is neutral and slightly polar, with leucine, which is neutral and non-polar, at codon 2960 of the ATM protein (p.Trp2960Leu).